The following is an entry in ClinVar:

ClinVar aggregate classification (germline): Uncertain significance. Review status: criteria provided, multiple submitters, no conflicts (2 of 4 stars). 3 submissions from 3 submitters: Uncertain significance (3). Last evaluated 2025-11-09.

Conditions:
Mitochondrial complex II deficiency, nuclear type 1. Also called: SUCCINATE CoQ REDUCTASE DEFICIENCY. Identifiers: Orphanet 3208, MedGen C5700310, MONDO:0100294, OMIM 252011.
Pheochromocytoma/paraganglioma syndrome 5. Also called: SDHA-Related Hereditary Paraganglioma-Pheochromocytoma Syndrome; Paragangliomas 5. Identifiers: Orphanet 29072, MedGen C3279992, MONDO:0013602, OMIM 614165.
Hereditary cancer-predisposing syndrome. Also called: Neoplastic Syndromes, Hereditary; Hereditary Cancer Syndrome; Tumor predisposition; Hereditary neoplastic syndrome. Identifiers: Orphanet 140162, MedGen C0027672, MeSH D009386, MONDO:0015356.
Dilated cardiomyopathy 1GG (CMD1GG). Identifiers: Orphanet 154, MedGen C3150898, MONDO:0013339, OMIM 613642.

Allele frequency attached by ClinVar (database versions not stated): TOPMed below 0.00001; ExAC 0.00001; ESP Exome Variant Server 0.00008.
gnomAD v4.1: 4 of 1,613,892 alleles (0.00025%); highest among the groups gnomAD compares: Non-Finnish European, 0.00034%; no homozygotes.

Submissions (3):

Labcorp Genetics (formerly Invitae), Labcorp
Classification: Uncertain significance for Pheochromocytoma/paraganglioma syndrome 5; Mitochondrial complex II deficiency, nuclear type 1. Last evaluated: 2025-11-09. Review status: criteria provided, single submitter. Criteria: Invitae Variant Classification Sherloc (09022015). Collection method: clinical testing. Allele origin: germline.
Comment: This sequence change replaces threonine, which is neutral and polar, with serine, which is neutral and polar, at codon 348 of the SDHA protein (p.Thr348Ser). This variant is present in population databases (rs371484111, gnomAD 0.0009%). This variant has not been reported in the literature in individuals affected with SDHA-related conditions. ClinVar contains an entry for this variant (Variation ID: 412360). Invitae Evidence Modeling of protein sequence and biophysical properties (such as structural, functional, and spatial information, amino acid conservation, physicochemical variation, residue mobility, and thermodynamic stability) indicates that this missense variant is not expected to disrupt SDHA protein function with a negative predictive value of 95%. In summary, the available evidence is currently insufficient to determine the role of this variant in disease. Therefore, it has been classified as a Variant of Uncertain Significance.

Ambry Genetics
Classification: Uncertain significance for Hereditary cancer-predisposing syndrome. Last evaluated: 2024-12-09. Review status: criteria provided, single submitter. Criteria: Ambry Variant Classification Scheme 2023. Collection method: clinical testing. Allele origin: germline.
Comment: The p.T348S variant (also known as c.1042A>T), located in coding exon 8 of the SDHA gene, results from an A to T substitution at nucleotide position 1042. The threonine at codon 348 is replaced by serine, an amino acid with similar properties. This amino acid position is highly conserved in available vertebrate species. In addition, the in silico prediction for this alteration is inconclusive. Based on the available evidence, the clinical significance of this variant remains unclear.

Baylor Genetics
Classification: Uncertain significance for Dilated cardiomyopathy 1GG. Last evaluated: 2024-03-25. Review status: criteria provided, single submitter. Criteria: ACMG Guidelines, 2015. Collection method: clinical testing. Allele origin: unknown.

NM_004168.4(SDHA):c.1042A>T (p.Thr348Ser)

Gene: SDHA (succinate dehydrogenase complex flavoprotein subunit A; plus strand). Cytogenetic location: 5p15.33.
Variant type: single nucleotide variant.
Coding change: c.1042A>T on transcript NM_004168.4 (MANE Select); coding-DNA position 1042, A replaced by T.
Protein change: p.Thr348Ser; replaces threonine 348 with serine.
Molecular consequence: missense variant.
Genome position (GRCh38, 1-based): chr5:233,623, A>T. VCF-style: chr5-233623-A-T. GRCh37 (hg19) VCF-style: chr5-233738-A-T.
Other names: c.898A>T, p.Thr300Ser (NM_001294332.2); c.1042A>T, p.Thr348Ser (NM_001330758.2); short protein forms T348S, T300S.
Identifiers: ClinVar variation 412360 (VCV000412360.15), dbSNP rs371484111, ClinGen allele CA3173069.